The following is an entry in ClinVar:

NM_001070.5(TUBG1):c.949T>C (p.Tyr317His)

Gene: TUBG1 (tubulin gamma 1; plus strand). Cytogenetic location: 17q21.2.
Variant type: single nucleotide variant.
Coding change: c.949T>C on transcript NM_001070.5 (MANE Select); coding-DNA position 949, T replaced by C.
Protein change: p.Tyr317His; replaces tyrosine 317 with histidine.
Molecular consequence: missense variant.
Genome position (GRCh38, 1-based): chr17:42,614,365, T>C. VCF-style: chr17-42614365-T-C. GRCh37 (hg19) VCF-style: chr17-40766383-T-C.
Other names: short protein forms Y317H.
Identifiers: ClinVar variation 3354609 (VCV003354609.1).

ClinVar aggregate classification (germline): Uncertain significance (0 of 4 stars; one submission).

Conditions:
TUBG1-related disorder. Also called: TUBG1-related condition.

gnomAD v4.1: 5 of 1,613,922 alleles (0.00031%); highest among the groups gnomAD compares: Admixed American, 0.0083%; no homozygotes.

Submission:

PreventionGenetics, part of Exact Sciences
Classification: Uncertain significance for TUBG1-related condition. Last evaluated: 2024-06-13. Review status: no assertion criteria provided. Collection method: clinical testing. Allele origin: germline.
Comment: The TUBG1 c.949T>C variant is predicted to result in the amino acid substitution p.Tyr317His. To our knowledge, this variant has not been reported in the literature. This variant is reported in 0.012% of alleles in individuals of Latino descent in gnomAD. At this time, the clinical significance of this variant is uncertain due to the absence of conclusive functional and genetic evidence.